The following is an entry in ClinVar:

ClinVar aggregate classification (germline): Pathogenic (1 of 4 stars; one submission).

Conditions:
Hereditary cancer-predisposing syndrome. Also called: Tumor predisposition; Hereditary neoplastic syndrome; Hereditary Cancer Syndrome; Neoplastic Syndromes, Hereditary. Identifiers: Orphanet 140162, MedGen C0027672, MeSH D009386, MONDO:0015356.

Submission:

Ambry Genetics
Classification: Pathogenic for Hereditary cancer-predisposing syndrome. Last evaluated: 2025-03-31. Review status: criteria provided, single submitter. Criteria: Ambry Variant Classification Scheme 2023. Collection method: clinical testing. Allele origin: germline.
Comment: The p.W148* pathogenic mutation (also known as c.443G>A), located in coding exon 4 of the POT1 gene, results from a G to A substitution at nucleotide position 443. This changes the amino acid from a tryptophan to a stop codon within coding exon 4. This variant is considered to be rare based on population cohorts in the Genome Aggregation Database (gnomAD). This alteration is expected to result in loss of function by premature protein truncation or nonsense-mediated mRNA decay. As such, this alteration is interpreted as a disease-causing mutation.

NM_015450.3(POT1):c.443G>A (p.Trp148Ter)

Gene: POT1 (protection of telomeres 1; minus strand). Cytogenetic location: 7q31.33.
Variant type: single nucleotide variant.
Coding change: c.443G>A on transcript NM_015450.3 (MANE Select); coding-DNA position 443, G replaced by A.
Protein change: p.Trp148Ter; replaces tryptophan 148 with a stop codon.
Molecular consequence: nonsense. On other transcripts: non-coding transcript variant (3).
Genome position (GRCh38, 1-based): chr7:124,863,453, C>T on the plus strand (G>A on the coding strand, the complement: POT1 is on the minus strand). VCF-style: chr7-124863453-C-T. GRCh37 (hg19) VCF-style: chr7-124503507-C-T.
Other names: c.50G>A, p.Trp17Ter (NM_001042594.2); short protein forms W17*, W148*.
Identifiers: ClinVar variation 3936265 (VCV003936265.1).